The following is an entry in ClinVar:

NM_000343.4(SLC5A1):c.885+5C>T

Gene: SLC5A1 (solute carrier family 5 member 1; plus strand). Cytogenetic location: 22q12.3.
Variant type: single nucleotide variant.
Coding change: c.885+5C>T on transcript NM_000343.4 (MANE Select); 5 bases into the intron after coding-DNA position 885, C replaced by T.
Molecular consequence: intron variant.
Genome position (GRCh38, 1-based): chr22:32,084,664, C>T. VCF-style: chr22-32084664-C-T. GRCh37 (hg19) VCF-style: chr22-32480651-C-T.
Other names: c.504+5C>T (NM_001256314.2).
Identifiers: ClinVar variation 1508950 (VCV001508950.6), dbSNP rs199536443, ClinGen allele CA323375739.

ClinVar aggregate classification (germline): Uncertain significance (1 of 4 stars; one submission).

Conditions:
Congenital glucose-galactose malabsorption (GGM). Also called: DIARRHEA 16; MONOSACCHARIDE MALABSORPTION. Identifiers: Orphanet 35710, MedGen C0268186, MONDO:0011731, OMIM 606824.

Allele frequency attached by ClinVar (database versions not stated): gnomAD exomes below 0.00001 and 0.00004; TOPMed 0.00002.
gnomAD v4.1: 54 of 1,611,078 alleles (0.0034%); highest among the groups gnomAD compares: Non-Finnish European, 0.0046%; no homozygotes.

Submission:

Labcorp Genetics (formerly Invitae), Labcorp
Classification: Uncertain significance for Congenital glucose-galactose malabsorption. Last evaluated: 2025-04-28. Review status: criteria provided, single submitter. Criteria: Invitae Variant Classification Sherloc (09022015). Collection method: clinical testing. Allele origin: germline.
Comment: This sequence change falls in intron 8 of the SLC5A1 gene. It does not directly change the encoded amino acid sequence of the SLC5A1 protein. It affects a nucleotide within the consensus splice site. This variant is present in population databases (rs199536443, gnomAD 0.0009%). This variant has not been reported in the literature in individuals affected with SLC5A1-related conditions. ClinVar contains an entry for this variant (Variation ID: 1508950). Variants that disrupt the consensus splice site are a relatively common cause of aberrant splicing (PMID: 17576681, 9536098). Algorithms developed to predict the effect of sequence changes on RNA splicing suggest that this variant is not likely to affect RNA splicing. In summary, the available evidence is currently insufficient to determine the role of this variant in disease. Therefore, it has been classified as a Variant of Uncertain Significance.

Literature cited by the submitters: PubMed 17576681; PubMed 9536098.